The following is an entry in ClinVar:

NM_000098.3(CPT2):c.1780A>G (p.Ser594Gly)

Gene: CPT2 (carnitine palmitoyltransferase 2; plus strand). Cytogenetic location: 1p32.3.
Variant type: single nucleotide variant.
Coding change: c.1780A>G on transcript NM_000098.3 (MANE Select); coding-DNA position 1780, A replaced by G.
Protein change: p.Ser594Gly; replaces serine 594 with glycine.
Molecular consequence: missense variant.
Genome position (GRCh38, 1-based): chr1:53,213,398, A>G. VCF-style: chr1-53213398-A-G. GRCh37 (hg19) VCF-style: chr1-53679070-A-G.
Other names: c.1711A>G, p.Ser571Gly (NM_001330589.2); short protein forms S571G, S594G.
Identifiers: ClinVar variation 1417605 (VCV001417605.6), dbSNP rs773695572, ClinGen allele CA859279.

ClinVar aggregate classification (germline): Uncertain significance (1 of 4 stars; one submission).

Conditions:
Carnitine palmitoyltransferase II deficiency. Also called: Carnitine Palmitoyltransferase 2 Deficiency. Identifiers: Orphanet 157, MedGen C0342790, MONDO:0015515.

Allele frequency attached by ClinVar (database versions not stated): gnomAD 0.00001; ExAC 0.00003; gnomAD exomes 0.00003 and 0.00004.
gnomAD v4.1: 41 of 1,614,150 alleles (0.0025%); highest among the groups gnomAD compares: South Asian, 0.021%; no homozygotes.

Submission:

Labcorp Genetics (formerly Invitae), Labcorp
Classification: Uncertain significance for Carnitine palmitoyltransferase II deficiency. Last evaluated: 2024-01-15. Review status: criteria provided, single submitter. Criteria: Invitae Variant Classification Sherloc (09022015). Collection method: clinical testing. Allele origin: germline.
Comment: This sequence change replaces serine, which is neutral and polar, with glycine, which is neutral and non-polar, at codon 594 of the CPT2 protein (p.Ser594Gly). This variant is present in population databases (rs773695572, gnomAD 0.02%). This variant has not been reported in the literature in individuals affected with CPT2-related conditions. ClinVar contains an entry for this variant (Variation ID: 1417605). Advanced modeling of protein sequence and biophysical properties (such as structural, functional, and spatial information, amino acid conservation, physicochemical variation, residue mobility, and thermodynamic stability) performed at Invitae indicates that this missense variant is not expected to disrupt CPT2 protein function with a negative predictive value of 80%. In summary, the available evidence is currently insufficient to determine the role of this variant in disease. Therefore, it has been classified as a Variant of Uncertain Significance.